The following is an entry in ClinVar:

NM_015973.5(GAL):c.223+3G>A

Gene: GAL (galanin and GMAP prepropeptide; plus strand). Cytogenetic location: 11q13.2.
Variant type: single nucleotide variant.
Coding change: c.223+3G>A on transcript NM_015973.5 (MANE Select); 3 bases into the intron after coding-DNA position 223, G replaced by A.
Molecular consequence: intron variant.
Genome position (GRCh38, 1-based): chr11:68,688,103, G>A. VCF-style: chr11-68688103-G-A. GRCh37 (hg19) VCF-style: chr11-68455571-G-A.
Identifiers: ClinVar variation 851157 (VCV000851157.10), dbSNP rs202155593, ClinGen allele CA6151488.

ClinVar aggregate classification (germline): Uncertain significance (1 of 4 stars; one submission).

Conditions:
Familial temporal lobe epilepsy 8. Identifiers: Orphanet 101046, MedGen C4225318, MONDO:0014650, OMIM 616461.

Allele frequency attached by ClinVar (database versions not stated): gnomAD 0.00005 and 0.00004; 1000 Genomes Project 30x 0.00062; TOPMed 0.00006; 1000 Genomes Project 0.00060.
gnomAD v4.1: 27 of 1,593,988 alleles (0.0017%); highest among the groups gnomAD compares: East Asian, 0.054%; no homozygotes.

Submission:

Labcorp Genetics (formerly Invitae), Labcorp
Classification: Uncertain significance for Familial temporal lobe epilepsy 8. Last evaluated: 2019-03-01. Review status: criteria provided, single submitter. Criteria: Invitae Variant Classification Sherloc (09022015). Collection method: clinical testing. Allele origin: germline.
Comment: This sequence change falls in intron 4 of the GAL gene. It does not directly change the encoded amino acid sequence of the GAL protein, but it affects a nucleotide within the consensus splice site of the intron. In summary, the available evidence is currently insufficient to determine the role of this variant in disease. Therefore, it has been classified as a Variant of Uncertain Significance. Nucleotide substitutions within the consensus splice site are a relatively common cause of aberrant splicing (PMID: 17576681, 9536098). Algorithms developed to predict the effect of sequence changes on RNA splicing suggest that this variant is not likely to affect RNA splicing, but this prediction has not been confirmed by published transcriptional studies. This variant has not been reported in the literature in individuals with GAL-related conditions. This variant is present in population databases (rs202155593, ExAC 0.1%).

Literature cited by the submitters: PubMed 17576681; PubMed 9536098.